The following is an entry in ClinVar:

NM_002691.4(POLD1):c.522G>A (p.Arg174=)

Gene: POLD1 (DNA polymerase delta 1, catalytic subunit; plus strand). Cytogenetic location: 19q13.33.
Variant type: single nucleotide variant.
Coding change: c.522G>A on transcript NM_002691.4 (MANE Select); coding-DNA position 522, G replaced by A.
Protein change: p.Arg174=; no amino-acid change (arginine 174 retained).
Molecular consequence: synonymous variant. On other transcripts: non-coding transcript variant (1).
Genome position (GRCh38, 1-based): chr19:50,402,057, G>A. VCF-style: chr19-50402057-G-A. GRCh37 (hg19) VCF-style: chr19-50905314-G-A.
Other names: c.522G>A, p.Arg174= (NM_001256849.1, NM_001308632.1).
Identifiers: ClinVar variation 387178 (VCV000387178.18), dbSNP rs774283364, ClinGen allele CA9595772.

ClinVar aggregate classification (germline): Likely benign. Review status: criteria provided, multiple submitters, no conflicts (2 of 4 stars). 5 submissions from 5 submitters: Likely benign (4). 1 of the submissions does not count toward it. Last evaluated 2026-01-25.

Conditions:
POLD1-related polyposis and colorectal cancer syndrome (CRCS10). Also called: Colorectal cancer, susceptibility to, 10; Colorectal cancer 10; COLORECTAL CANCER, SUSCEPTIBILITY TO, ON CHROMOSOME 19q. Identifiers: Orphanet 220460, MedGen C2675481, MONDO:0012953, OMIM 612591.
POLD1-related disorder. Also called: POLD1-related disorders; POLD1-related condition.
Hereditary cancer-predisposing syndrome. Also called: Neoplastic Syndromes, Hereditary; Hereditary neoplastic syndrome; Hereditary Cancer Syndrome; Tumor predisposition. Identifiers: Orphanet 140162, MedGen C0027672, MeSH D009386, MONDO:0015356.

gnomAD v4.1: 10 of 1,614,066 alleles (0.00062%); highest among the groups gnomAD compares: South Asian, 0.011%; 1 homozygote.

Submissions (5):

Labcorp Genetics (formerly Invitae), Labcorp
Classification: Likely benign for POLD1-related polyposis and colorectal cancer syndrome. Last evaluated: 2026-01-25. Review status: criteria provided, single submitter. Criteria: Invitae Variant Classification Sherloc (09022015). Collection method: clinical testing. Allele origin: germline.

KCCC/NGS Laboratory, Kuwait Cancer Control Center
Classification: Likely benign for POLD1-related polyposis and colorectal cancer syndrome. Last evaluated: 2023-07-07. Review status: criteria provided, single submitter. Criteria: ACMG Guidelines, 2015. Collection method: clinical testing. Allele origin: germline. Affected: yes.

Ambry Genetics
Classification: Likely benign for Hereditary cancer-predisposing syndrome. Last evaluated: 2016-12-08. Review status: criteria provided, single submitter. Criteria: Ambry Variant Classification Scheme 2023. Collection method: clinical testing. Allele origin: germline.

GeneDx
Classification: Likely benign. Last evaluated: 2016-06-24. Review status: criteria provided, single submitter. Criteria: GeneDx Variant Classification (06012015). Collection method: clinical testing. Allele origin: germline. Affected: yes.
Comment: This variant is considered likely benign or benign based on one or more of the following criteria: it is a conservative change, it occurs at a poorly conserved position in the protein, it is predicted to be benign by multiple in silico algorithms, and/or has population frequency not consistent with disease.

PreventionGenetics, part of Exact Sciences
Classification: Likely benign for POLD1-related condition. Last evaluated: 2019-03-20. Review status: no assertion criteria provided. Collection method: clinical testing. Allele origin: germline. Not counted in ClinVar's aggregate classification.
Comment: This variant is classified as likely benign based on ACMG/AMP sequence variant interpretation guidelines (Richards et al. 2015 PMID: 25741868, with internal and published modifications).